The following is an entry in ClinVar:

ClinVar aggregate classification (germline): Pathogenic (1 of 4 stars; one submission).

Conditions:
Joubert syndrome 1 (JBTS1). Also called: CEREBELLOPARENCHYMAL DISORDER IV; Cerebellooculorenal syndrome 1. Identifiers: MedGen C4551568, MONDO:0008944, OMIM 213300.

Submission:

Advanced Center For Translational And Genetic Medicine, Ann & Robert H. Lurie Children's Hospital Of Chicago
Classification: Pathogenic for Joubert syndrome 1. Last evaluated: 2024-07-29. Review status: criteria provided, single submitter. Criteria: ACMG Guidelines, 2015. Collection method: research, in vitro. Allele origin: paternal, not applicable. Affected: yes. Observed: 1 compound heterozygote. Functional consequence: splice_acceptor_variant_NMD_triggering.
Comment: Null (aberrant mRNA splicing leading to frameshift) variant in a gene where (LOF) is a known mechanism of disease (PVS1), Well-established in vitro or in vivo functional studies supportive of a damaging effect on the gene or gene product (PS3), Extremely low frequency in gnomAD v4.1.0 (recessive condition) (PM2), Multiple computational tools support deleterious effect, CADD=29.5 and Mutation Taster predicts Disease Causing (PP3)

NM_024899.4(CEP76):c.1122G>A (p.Lys374=)

Genes: CEP76 (centrosomal protein 76; minus strand), PSMG2 (proteasome assembly chaperone 2; plus strand). Cytogenetic location: 18p11.21.
Variant type: single nucleotide variant.
Coding change: c.1122G>A on transcript NM_024899.4 (MANE Select); coding-DNA position 1122, G replaced by A.
Protein change: p.Lys374=; no amino-acid change (lysine 374 retained).
Molecular consequence: synonymous variant. On other transcripts: non-coding transcript variant (1), intron variant (1).
Genome position (GRCh38, 1-based): chr18:12,686,262, C>T on the plus strand (G>A on the coding strand, the complement: CEP76 is on the minus strand). VCF-style: chr18-12686262-C-T. GRCh37 (hg19) VCF-style: chr18-12686261-C-T.
Other names: c.897G>A, p.Lys299= (NM_001271989.2); c.-36-20288C>T (NM_147163.2).
Identifiers: ClinVar variation 4075833 (VCV004075833.1).